The following is an entry in ClinVar:

ClinVar aggregate classification (germline): Benign/Likely benign. Review status: criteria provided, multiple submitters, no conflicts (2 of 4 stars). 4 submissions from 4 submitters: Benign (2); Likely benign (2). Last evaluated 2026-02-01.

Conditions:
Mitochondrial complex II deficiency, nuclear type 1. Also called: SUCCINATE CoQ REDUCTASE DEFICIENCY. Identifiers: Orphanet 3208, MedGen C5700310, MONDO:0100294, OMIM 252011.
Pheochromocytoma/paraganglioma syndrome 5. Also called: SDHA-Related Hereditary Paraganglioma-Pheochromocytoma Syndrome; Paragangliomas 5. Identifiers: Orphanet 29072, MedGen C3279992, MONDO:0013602, OMIM 614165.
Hereditary cancer-predisposing syndrome. Also called: Neoplastic Syndromes, Hereditary; Hereditary Cancer Syndrome; Tumor predisposition; Hereditary neoplastic syndrome. Identifiers: Orphanet 140162, MedGen C0027672, MeSH D009386, MONDO:0015356.

Allele frequency attached by ClinVar (database versions not stated): gnomAD exomes 0.00003 and 0.00017; ESP Exome Variant Server 0.00008; gnomAD 0.00008 and 0.00010; TOPMed 0.00009; ExAC 0.00017; 1000 Genomes Project 30x 0.00031; 1000 Genomes Project 0.00020.
gnomAD v4.1: 53 of 1,613,992 alleles (0.0033%); highest among the groups gnomAD compares: East Asian, 0.085%; no homozygotes.

Submissions (4):

Labcorp Genetics (formerly Invitae), Labcorp
Classification: Benign for Pheochromocytoma/paraganglioma syndrome 5; Mitochondrial complex II deficiency, nuclear type 1. Last evaluated: 2026-02-01. Review status: criteria provided, single submitter. Criteria: Invitae Variant Classification Sherloc (09022015). Collection method: clinical testing. Allele origin: germline.

Myriad Genetics, Inc.
Classification: Benign for Pheochromocytoma/paraganglioma syndrome 5. Last evaluated: 2025-03-07. Review status: criteria provided, single submitter. Criteria: Myriad Autosomal Dominant, Autosomal Recessive and X-Linked Classification Criteria (2023). Collection method: clinical testing. Allele origin: unknown.
Comment: This variant is considered benign. This variant is a silent/synonymous amino acid change and it is not expected to impact splicing.

GeneDx
Classification: Likely benign. Last evaluated: 2016-11-18. Review status: criteria provided, single submitter. Criteria: GeneDx Variant Classification (06012015). Collection method: clinical testing. Allele origin: germline. Affected: yes.
Comment: This variant is considered likely benign or benign based on one or more of the following criteria: it is a conservative change, it occurs at a poorly conserved position in the protein, it is predicted to be benign by multiple in silico algorithms, and/or has population frequency not consistent with disease.

Ambry Genetics
Classification: Likely benign for Hereditary cancer-predisposing syndrome. Last evaluated: 2015-12-14. Review status: criteria provided, single submitter. Criteria: Ambry Variant Classification Scheme 2023. Collection method: clinical testing. Allele origin: germline.

NM_004168.4(SDHA):c.1089C>T (p.His363=)

Gene: SDHA (succinate dehydrogenase complex flavoprotein subunit A; plus strand). Cytogenetic location: 5p15.33.
Variant type: single nucleotide variant.
Coding change: c.1089C>T on transcript NM_004168.4 (MANE Select); coding-DNA position 1089, C replaced by T.
Protein change: p.His363=; no amino-acid change (histidine 363 retained).
Molecular consequence: synonymous variant.
Genome position (GRCh38, 1-based): chr5:235,168, C>T. VCF-style: chr5-235168-C-T. GRCh37 (hg19) VCF-style: chr5-235283-C-T.
Other names: c.945C>T, p.His315= (NM_001294332.2); c.1089C>T, p.His363= (NM_001330758.2).
Identifiers: ClinVar variation 388758 (VCV000388758.17), dbSNP rs368488126, ClinGen allele CA3173110.